The following is an entry in ClinVar:

ClinVar aggregate classification (germline): Uncertain significance. Review status: criteria provided, single submitter (1 of 4 stars). 3 submissions from 3 submitters: Uncertain significance (1). 2 of the submissions do not count toward it. Last evaluated 2025-01-29.

Conditions:
VWF-related disorder. Also called: VWF-related condition; VWF-related disorders.

Allele frequency attached by ClinVar (database versions not stated): ExAC 0.00002; gnomAD 0.00003 and 0.00004; gnomAD exomes 0.00005; TOPMed 0.00005.
gnomAD v4.1: 162 of 1,613,290 alleles (0.01%); highest among the groups gnomAD compares: Non-Finnish European, 0.013%; no homozygotes.

Submissions (3):

Women's Health and Genetics/Laboratory Corporation of America, LabCorp
Classification: Uncertain significance. Last evaluated: 2025-01-29. Review status: criteria provided, single submitter. Criteria: LabCorp Variant Classification Summary - May 2015. Collection method: clinical testing. Allele origin: germline.
Comment: Variant summary: VWF c.8164C>G (p.Pro2722Ala) results in a non-conservative amino acid change located in the CK domain (Goodeve_2007) of the encoded protein sequence. Three of five in-silico tools predict a damaging effect of the variant on protein function. The variant allele was found at a frequency of 4.8e-05 in 250762 control chromosomes. This frequency is not significantly higher than estimated for a pathogenic variant in VWF causing Von Willebrand Disease, allowing no conclusion about variant significance. c.8164C>G has been reported in the literature in individuals affected with features of Von Willebrand Disease but demonstrating normal levels of VWF multimers (Goodeve_2007) and has been subsequently cited by others among VWF variants associated with mild VWD type 1 disease of autosomal dominant or recessive inheritance with variable penetrance of bleeding manifestations (Eikenboom_2013, Michiels_2017). These report(s) do not provide unequivocal conclusions about association of the variant with Von Willebrand Disease. To our knowledge, no experimental evidence demonstrating an impact on protein function has been reported. The following publications have been ascertained in the context of this evaluation (PMID: 23349392, 16985174, 37432431, 27443694). ClinVar contains an entry for this variant (Variation ID: 100492). Based on the evidence outlined above, the variant was classified as uncertain significance.

PreventionGenetics, part of Exact Sciences
Classification: Uncertain significance for VWF-related condition. Last evaluated: 2024-03-03. Review status: no assertion criteria provided. Collection method: clinical testing. Allele origin: germline. Not counted in ClinVar's aggregate classification.
Comment: The VWF c.8164C>G variant is predicted to result in the amino acid substitution p.Pro2722Ala. This variant was reported in an individual with type 1 von Willebrand disease and functional studies suggested a reduced GPIIb/IIIa binding activity (Goodeve et al. 2007. PubMed ID: 16985174; König et al. 2019. PubMed ID: 31035301). However, this variant was also identified to be in cis (on the same allele) with exon 3 deletion in an affected individual (Cartwright et al. 2020. PubMed ID: 32609846). This variant is reported in 0.0093% of alleles in individuals of European (Non-Finnish) descent in gnomAD. Although we suspect that this variant may be pathogenic, at this time, the clinical significance of this variant is uncertain due to the absence of conclusive functional and genetic evidence.

Academic Unit of Haematology, University of Sheffield
No classification provided. Review status: no classification provided. Collection method: not provided. Allele origin: not provided. Not counted in ClinVar's aggregate classification.

Literature cited by the submitters: PubMed 23349392 (cited by Women's Health and Genetics/Laboratory Corporation of America, LabCorp); PubMed 16985174 (cited by Women's Health and Genetics/Laboratory Corporation of America, LabCorp); PubMed 27443694 (cited by Women's Health and Genetics/Laboratory Corporation of America, LabCorp); PubMed 37432431 (cited by Women's Health and Genetics/Laboratory Corporation of America, LabCorp).

NM_000552.5(VWF):c.8164C>G (p.Pro2722Ala)

Gene: VWF (von Willebrand factor; minus strand). Cytogenetic location: 12p13.31.
Variant type: single nucleotide variant.
Coding change: c.8164C>G on transcript NM_000552.5 (MANE Select); coding-DNA position 8164, C replaced by G.
Protein change: p.Pro2722Ala; replaces proline 2722 with alanine.
Molecular consequence: missense variant.
Genome position (GRCh38, 1-based): chr12:5,949,875, G>C on the plus strand (C>G on the coding strand, the complement: VWF is on the minus strand). VCF-style: chr12-5949875-G-C. GRCh37 (hg19) VCF-style: chr12-6059041-G-C.
Other names: short protein forms P2722A.
Identifiers: ClinVar variation 100492 (VCV000100492.6), dbSNP rs62641244, ClinGen allele CA228827.